The following is an entry in ClinVar:

NM_213622.4(STAMBP):c.197A>T (p.Tyr66Phe)

Genes: STAMBP (STAM binding protein; plus strand), LOC126806253 (CDK7 strongly-dependent group 2 enhancer GRCh37_chr2:74057585-74058784; plus strand). Cytogenetic location: 2p13.1.
Variant type: single nucleotide variant.
Coding change: c.197A>T on transcript NM_213622.4 (MANE Select); coding-DNA position 197, A replaced by T.
Protein change: p.Tyr66Phe; replaces tyrosine 66 with phenylalanine.
Molecular consequence: missense variant. On other transcripts: 5 prime UTR variant (5), non-coding transcript variant (4), intron variant (1).
Genome position (GRCh38, 1-based): chr2:73,831,053, A>T. VCF-style: chr2-73831053-A-T. GRCh37 (hg19) VCF-style: chr2-74058180-A-T.
Other names: c.197A>T, p.Tyr66Phe (NM_001353967.2, NM_001353968.2, NM_001353969.2 and 3 more transcripts); c.-357A>T (NM_001353971.2, NM_001353973.2, NM_001353974.2 and 2 more transcripts); c.-203+2057A>T (NM_001353972.2); c.197A>T (NM_213622.2); short protein forms Y66F.
Identifiers: ClinVar variation 1493517 (VCV001493517.7), dbSNP rs139069654, ClinGen allele CA1717454.

ClinVar aggregate classification (germline): Uncertain significance. Review status: criteria provided, multiple submitters, no conflicts (2 of 4 stars). 2 submissions from 2 submitters: Uncertain significance (2). Last evaluated 2024-12-07.

Conditions:
Inborn genetic diseases. Identifiers: MedGen C0950123, MeSH D030342.

Allele frequency attached by ClinVar (database versions not stated): ExAC 0.00004; gnomAD exomes 0.00004; ESP Exome Variant Server 0.00008.
gnomAD v4.1: 43 of 1,613,850 alleles (0.0027%); highest among the groups gnomAD compares: Non-Finnish European, 0.0036%; no homozygotes.

Submissions (2):

Ambry Genetics
Classification: Uncertain significance for Inborn genetic diseases. Last evaluated: 2024-12-07. Review status: criteria provided, single submitter. Criteria: Ambry Variant Classification Scheme 2023. Collection method: clinical testing. Allele origin: germline.

Labcorp Genetics (formerly Invitae), Labcorp
Classification: Uncertain significance. Last evaluated: 2024-10-30. Review status: criteria provided, single submitter. Criteria: Invitae Variant Classification Sherloc (09022015). Collection method: clinical testing. Allele origin: germline.
Comment: This sequence change replaces tyrosine, which is neutral and polar, with phenylalanine, which is neutral and non-polar, at codon 66 of the STAMBP protein (p.Tyr66Phe). This variant is present in population databases (rs139069654, gnomAD 0.006%). This variant has not been reported in the literature in individuals affected with STAMBP-related conditions. ClinVar contains an entry for this variant (Variation ID: 1493517). Invitae Evidence Modeling of protein sequence and biophysical properties (such as structural, functional, and spatial information, amino acid conservation, physicochemical variation, residue mobility, and thermodynamic stability) indicates that this missense variant is not expected to disrupt STAMBP protein function with a negative predictive value of 95%. In summary, the available evidence is currently insufficient to determine the role of this variant in disease. Therefore, it has been classified as a Variant of Uncertain Significance.